The following is an entry in ClinVar:

ClinVar aggregate classification (germline): Uncertain significance (1 of 4 stars; one submission).

Submission:

Labcorp Genetics (formerly Invitae), Labcorp
Classification: Uncertain significance. Last evaluated: 2022-05-27. Review status: criteria provided, single submitter. Criteria: Invitae Variant Classification Sherloc (09022015). Collection method: clinical testing. Allele origin: germline.
Comment: In summary, the available evidence is currently insufficient to determine the role of this variant in disease. Therefore, it has been classified as a Variant of Uncertain Significance. This variant has not been reported in the literature in individuals affected with COL9A3-related conditions. This variant is not present in population databases (gnomAD no frequency). This sequence change creates a premature translational stop signal (p.Glu588Serfs*85) in the COL9A3 gene. While this is not anticipated to result in nonsense mediated decay, it is expected to disrupt the last 97 amino acid(s) of the COL9A3 protein.

NM_001853.4(COL9A3):c.1762del (p.Glu588fs)

Gene: COL9A3 (collagen type IX alpha 3 chain; plus strand). Cytogenetic location: 20q13.33.
Variant type: Deletion.
Coding change: c.1762del on transcript NM_001853.4 (MANE Select); coding-DNA position 1762, one base deleted (G; older notation c.1762delG).
Protein change: p.Glu588fs; shifts the reading frame from glutamic acid 588.
Molecular consequence: frameshift variant.
Genome position (GRCh38, 1-based): chr20:62,837,241, G deleted; the last of 4 consecutive G bases (chr20:62,837,238-62,837,241); deleting any one gives the same sequence. VCF-style (leftmost placement, unchanged base first): chr20-62837237-TG-T. GRCh37 (hg19) VCF-style: chr20-61468589-TG-T.
Other names: short protein forms E588fs.
Identifiers: ClinVar variation 1395247 (VCV001395247.6), dbSNP rs2147229748, ClinGen allele CA2573157281.
Genomic context (GRCh38, chr20:62,837,237, plus strand): 5'-ACCCCCAGGCTCCATTGGTCACCCTGGCGCTCGAGGACCCCCTGGATACCGCGGTCCCAC[TG>T]GGGAGCTGGGAGACCCCGGGCCCAGAGGTGAGTGTTTGACCCCATGACACGGTCACCCTG-3'